The following is an entry in ClinVar:

ClinVar aggregate classification (germline): Likely benign. Review status: criteria provided, single submitter (1 of 4 stars). 2 submissions from 2 submitters: Likely benign (1). 1 of the submissions does not count toward it. Last evaluated 2024-02-09.

Conditions:
NDUFS2-related disorder. Also called: NDUFS2-related condition.

Allele frequency attached by ClinVar (database versions not stated): gnomAD exomes below 0.00001.
gnomAD v4.1: 1 of 1,614,138 alleles (0.000062%); highest among the groups gnomAD compares: African/African-American, 0.0013%; no homozygotes.

Submissions (2):

Labcorp Genetics (formerly Invitae), Labcorp
Classification: Likely benign. Last evaluated: 2024-02-09. Review status: criteria provided, single submitter. Criteria: Invitae Variant Classification Sherloc (09022015). Collection method: clinical testing. Allele origin: germline.

PreventionGenetics, part of Exact Sciences
Classification: Likely benign for NDUFS2-related condition. Last evaluated: 2019-08-13. Review status: no assertion criteria provided. Collection method: clinical testing. Allele origin: germline. Not counted in ClinVar's aggregate classification.
Comment: This variant is classified as likely benign based on ACMG/AMP sequence variant interpretation guidelines (Richards et al. 2015 PMID: 25741868, with internal and published modifications).

NM_001377299.1(NDUFS2):c.472T>C (p.Leu158=)

Gene: NDUFS2 (NADH:ubiquinone oxidoreductase core subunit S2; plus strand). Cytogenetic location: 1q23.3.
Variant type: single nucleotide variant.
Coding change: c.472T>C on transcript NM_001377299.1 (MANE Select); coding-DNA position 472, T replaced by C.
Protein change: p.Leu158=; no amino-acid change (leucine 158 retained).
Molecular consequence: synonymous variant. On other transcripts: non-coding transcript variant (1).
Genome position (GRCh38, 1-based): chr1:161,209,271, T>C. VCF-style: chr1-161209271-T-C. GRCh37 (hg19) VCF-style: chr1-161179061-T-C.
Other names: c.472T>C, p.Leu158= (NM_001166159.2, NM_001377298.1, NM_001377300.1 and 4 more transcripts).
Identifiers: ClinVar variation 3053802 (VCV003053802.4), dbSNP rs997237404, ClinGen allele CA31672169.